The following is an entry in ClinVar:

ClinVar aggregate classification (germline): Likely pathogenic (1 of 4 stars; one submission).

Conditions:
Maple syrup urine disease type 1B (MSUD1B). Also called: MSUD type IB; MSUD type 3 (formerly); MSUD due to deficiency of e1-beta subunit of branched-chain alpha-keto acid dehydrogenase complex. Identifiers: MedGen C2930990, MONDO:0023692, OMIM 620698.

Submission:

Natera, Inc.
Classification: Likely pathogenic for Maple syrup urine disease type 1B. Last evaluated: 2024-06-16. Review status: criteria provided, single submitter. Criteria: Natera Variant Classification Schema (03/2026). Collection method: clinical testing. Allele origin: germline.
Comment: The c.617A>G variant in BCKDHB is a missense variant predicted to cause substitution of histidine to arginine at amino acid 206. This variant is rare in the general population with a frequency below the threshold expected for the associated phenotype(s). This variant has been observed in one or more individuals affected with the associated recessive disease, as either homozygous or compound heterozygous with a second variant (PMID: 8161368, 28612395). A different variant at the same position has been determined to be Pathogenic or Likely Pathogenic. Computational prediction algorithms indicate this variant is likely to affect gene or protein function. Given the available evidence, this variant is classified as Likely Pathogenic.

Literature cited by the submitters: PubMed 8161368; PubMed 28612395.

NM_183050.4(BCKDHB):c.617A>G (p.His206Arg)

Gene: BCKDHB (branched chain keto acid dehydrogenase E1 subunit beta; plus strand). Cytogenetic location: 6q14.1.
Variant type: single nucleotide variant.
Coding change: c.617A>G on transcript NM_183050.4 (MANE Select); coding-DNA position 617, A replaced by G.
Protein change: p.His206Arg; replaces histidine 206 with arginine.
Molecular consequence: missense variant. On other transcripts: non-coding transcript variant (6).
Genome position (GRCh38, 1-based): chr6:80,169,014, A>G. VCF-style: chr6-80169014-A-G. GRCh37 (hg19) VCF-style: chr6-80878731-A-G.
Other names: c.617A>G, p.His206Arg (NM_001424041.1, NM_001424042.1, NM_001424044.1 and 8 more transcripts); c.407A>G, p.His136Arg (NM_001424043.1, NM_001318975.1); short protein forms H136R, H206R.
Identifiers: ClinVar variation 4817025 (VCV004817025.1).
Genomic context (GRCh38, chr6:80,169,014, plus strand): 5'-GGGGCTGTGTTGGTCATGGGGCTCTCTATCATTCTCAGAGTCCTGAAGCATTTTTTGCCC[A>G]TTGCCCAGGAATCAAGGTATGTTCATTTATGTACTTTATTTGATTTCTATTTGATGTTTC-3'
Protein context (NP_898871.1, residues 196-216): HSQSPEAFFA[His206Arg]CPGIKVVIPR